The following is an entry in ClinVar:

ClinVar aggregate classification (germline): Uncertain significance (1 of 4 stars; one submission).

Conditions:
Chilton-Okur-Chung neurodevelopmental syndrome (CHOCNS). Identifiers: MedGen C5677022, MONDO:0859239, OMIM 619841.

Submission:

3billion
Classification: Uncertain significance for Chilton-Okur-Chung neurodevelopmental syndrome. Last evaluated: 2025-09-15. Review status: criteria provided, single submitter. Criteria: ACMG Guidelines, 2015. Collection method: clinical testing. Allele origin: germline. Affected: yes.
Comment: The variant is not observed in the gnomAD v4.1.0 dataset. Predicted Consequence/Location: Intron variant In silico tools predict the variant to alter splicing and produce an abnormal transcript [SpliceAI: 0.22 (>=0.2, moderate evidence for spliceogenicity)]. Therefore, this variant is classified as VUS according to the recommendation of ACMG/AMP guideline.

NM_006035.4(CDC42BPB):c.3532-13T>G

Gene: CDC42BPB (CDC42 binding protein kinase beta; minus strand). Cytogenetic location: 14q32.32.
Variant type: single nucleotide variant.
Coding change: c.3532-13T>G on transcript NM_006035.4 (MANE Select); 13 bases into the intron before coding-DNA position 3532, T replaced by G.
Molecular consequence: intron variant.
Genome position (GRCh38, 1-based): chr14:102,946,697, A>C on the plus strand (T>G on the coding strand, the complement: CDC42BPB is on the minus strand). VCF-style: chr14-102946697-A-C. GRCh37 (hg19) VCF-style: chr14-103413034-A-C.
Other names: c.3454-13T>G (NM_001411054.1).
Identifiers: ClinVar variation 4854349 (VCV004854349.1).